The following is an entry in ClinVar:

NM_022124.6(CDH23):c.4104+4A>T

Genes: C10orf105 (chromosome 10 open reading frame 105; minus strand), CDH23 (cadherin related 23; plus strand). Cytogenetic location: 10q22.1.
Variant type: single nucleotide variant.
Coding change: c.4104+4A>T on transcript NM_022124.6 (MANE Select); 4 bases into the intron after coding-DNA position 4104, A replaced by T.
Molecular consequence: intron variant. On other transcripts: missense variant (1).
Genome position (GRCh38, 1-based): chr10:71,732,379, A>T. VCF-style: chr10-71732379-A-T. GRCh37 (hg19) VCF-style: chr10-73492136-A-T.
Other names: c.4108A>T, p.Arg1370Trp (NM_001171930.2); c.-6+5349T>A (NM_001168390.2); short protein forms R1370W.
Identifiers: ClinVar variation 133305 (VCV000133305.4), dbSNP rs483353052, ClinGen allele CA269905.
Genomic context (GRCh38, chr10:71,732,379, plus strand): 5'-TTCAACGCCTACACCAGCACCCAGGCCAAAGCCCTCTTCAAGATAGACGCCATCACGGTG[A>T]GGGGCTGGGGGCAGGGAGCACCATTTCTTCCAATCTAACCAACATTGGTTGAGCTCCTTC-3'

ClinVar aggregate classification (germline): Uncertain significance (1 of 4 stars; one submission).

Conditions:
Usher syndrome type 1D (USH1D). Also called: USHER SYNDROME, TYPE ID. Identifiers: Orphanet 231169, Orphanet 886, MedGen C1832845, MONDO:0010984, OMIM 601067.

Submission:

Molecular Genetics Laboratory; Baylor College of Medicine
Classification: Uncertain significance. Review status: criteria provided, single submitter. Criteria: Submitter's publication. Collection method: not provided. Allele origin: unknown.
ClinVar note: Converted during submission from unknown to Uncertain significance.